The following is an entry in ClinVar:

NM_001386140.1(MTTP):c.1969G>A (p.Ala657Thr)

Gene: MTTP (microsomal triglyceride transfer protein; plus strand). Cytogenetic location: 4q23.
Variant type: single nucleotide variant.
Coding change: c.1969G>A on transcript NM_001386140.1 (MANE Select); coding-DNA position 1969, G replaced by A.
Protein change: p.Ala657Thr; replaces alanine 657 with threonine.
Molecular consequence: missense variant.
Genome position (GRCh38, 1-based): chr4:99,611,433, G>A. VCF-style: chr4-99611433-G-A. GRCh37 (hg19) VCF-style: chr4-100532590-G-A.
Other names: c.1969G>A, p.Ala657Thr (NM_000253.4); c.1720G>A, p.Ala574Thr (NM_001300785.2); short protein forms A657T, A574T.
Identifiers: ClinVar variation 1392715 (VCV001392715.4), dbSNP rs2110232027, ClinGen allele CA357516140.

ClinVar aggregate classification (germline): Uncertain significance (1 of 4 stars; one submission).

Submission:

Labcorp Genetics (formerly Invitae), Labcorp
Classification: Uncertain significance. Last evaluated: 2024-12-16. Review status: criteria provided, single submitter. Criteria: Invitae Variant Classification Sherloc (09022015). Collection method: clinical testing. Allele origin: germline.
Comment: This sequence change replaces alanine, which is neutral and non-polar, with threonine, which is neutral and polar, at codon 657 of the MTTP protein (p.Ala657Thr). This variant is not present in population databases (gnomAD no frequency). This variant has not been reported in the literature in individuals affected with MTTP-related conditions. ClinVar contains an entry for this variant (Variation ID: 1392715). Invitae Evidence Modeling of protein sequence and biophysical properties (such as structural, functional, and spatial information, amino acid conservation, physicochemical variation, residue mobility, and thermodynamic stability) indicates that this missense variant is not expected to disrupt MTTP protein function with a negative predictive value of 80%. In summary, the available evidence is currently insufficient to determine the role of this variant in disease. Therefore, it has been classified as a Variant of Uncertain Significance.